The following is an entry in ClinVar:

NM_001242896.3(DEPDC5):c.2211T>G (p.Cys737Trp)

Gene: DEPDC5 (DEP domain containing 5, GATOR1 subcomplex subunit; plus strand). Cytogenetic location: 22q12.3.
Variant type: single nucleotide variant.
Coding change: c.2211T>G on transcript NM_001242896.3 (MANE Select); coding-DNA position 2211, T replaced by G.
Protein change: p.Cys737Trp; replaces cysteine 737 with tryptophan.
Molecular consequence: missense variant. On other transcripts: non-coding transcript variant (4).
Genome position (GRCh38, 1-based): chr22:31,837,012, T>G. VCF-style: chr22-31837012-T-G. GRCh37 (hg19) VCF-style: chr22-32232998-T-G.
Other names: c.2184T>G, p.Cys728Trp (NM_001136029.4, NM_001369903.1, NM_014662.6); c.1977T>G, p.Cys659Trp (NM_001242897.2, NM_001363854.2, NM_001364319.2); c.2211T>G, p.Cys737Trp (NM_001363852.2, NM_001364318.2, NM_001364320.2); c.2127T>G, p.Cys709Trp (NM_001369901.1, NM_001369902.1); short protein forms C659W, C709W, C728W, C737W.
Identifiers: ClinVar variation 4976101 (VCV004976101.1).

ClinVar aggregate classification (germline): Uncertain significance (1 of 4 stars; one submission).

Submission:

GeneDx
Classification: Uncertain significance. Last evaluated: 2026-02-02. Review status: criteria provided, single submitter. Criteria: GeneDx Variant Classification Process June 2021. Collection method: clinical testing. Allele origin: germline.
Comment: Not observed at significant frequency in large population cohorts (gnomAD); In silico analysis suggests that this missense variant does not alter protein structure/function; Has not been previously published as pathogenic or benign to our knowledge